The following is an entry in ClinVar:

NM_006715.4(MAN2C1):c.2702G>A (p.Arg901His)

Genes: MAN2C1 (mannosidase alpha class 2C member 1; minus strand), NEIL1 (nei like DNA glycosylase 1; plus strand). Cytogenetic location: 15q24.2.
Variant type: single nucleotide variant.
Coding change: c.2702G>A on transcript NM_006715.4 (MANE Select); coding-DNA position 2702, G replaced by A.
Protein change: p.Arg901His; replaces arginine 901 with histidine.
Molecular consequence: missense variant. On other transcripts: 3 prime UTR variant (2), non-coding transcript variant (1).
Genome position (GRCh38, 1-based): chr15:75,356,641, C>T on the plus strand (G>A on the coding strand, the complement: MAN2C1 is on the minus strand). VCF-style: chr15-75356641-C-T. GRCh37 (hg19) VCF-style: chr15-75648982-C-T.
Other names: c.2753G>A, p.Arg918His (NM_001256494.2); c.2702G>A, p.Arg901His (NM_001256495.2); c.2405G>A, p.Arg802His (NM_001256496.2); c.*1607C>T (NM_001352520.2, NM_024608.4); c.2702G>A (NM_006715.2); short protein forms R802H, R901H, R918H.
Identifiers: ClinVar variation 1805966 (VCV001805966.2), dbSNP rs756198744, ClinGen allele CA7666093.

ClinVar aggregate classification (germline): Uncertain significance. Review status: criteria provided, multiple submitters, no conflicts (2 of 4 stars). 2 submissions from 2 submitters: Uncertain significance (2). Last evaluated 2025-03-23.

Conditions:
Congenital disorder of deglycosylation 2 (CDDG2). Identifiers: MedGen C5676931, MONDO:0030770, OMIM 619775.

Allele frequency attached by ClinVar (database versions not stated): gnomAD 0.00002; gnomAD exomes 0.00002; ExAC 0.00004.
gnomAD v4.1: 47 of 1,570,778 alleles (0.003%); highest among the groups gnomAD compares: East Asian, 0.026%; no homozygotes.

Submissions (2):

Ambry Genetics
Classification: Uncertain significance. Last evaluated: 2025-03-23. Review status: criteria provided, single submitter. Criteria: Ambry Variant Classification Scheme 2023. Collection method: clinical testing. Allele origin: germline.

Victorian Clinical Genetics Services, Murdoch Childrens Research Institute
Classification: Uncertain significance for Congenital disorder of deglycosylation 2. Last evaluated: 2022-09-02. Review status: criteria provided, single submitter. Criteria: ACMG Guidelines, 2015. Collection method: clinical testing. Allele origin: germline. Inheritance: Autosomal recessive inheritance. Affected: yes.
Comment: Based on the classification scheme VCGS_Germline_v1.3.4, this variant is classified as VUS-3C. Following criteria are met: 0102 - Loss of function is a known mechanism of disease in this gene and is associated with congenital disorder of deglycosylation 2 (MIM#619775). (I) 0106 - This gene is associated with autosomal recessive disease. (I) 0200 - Variant is predicted to result in a missense amino acid change from arginine to histidine. (I) 0252 - This variant is homozygous. (I) 0304 - Variant is present in gnomAD (v2) <0.01 for a recessive condition (4 heterozygotes, 0 homozygotes). (SP) 0309 - An alternative amino acid change at the same position has been observed in gnomAD (v2) (29 heterozygotes, 0 homozygotes). (I) 0503 - Missense variant consistently predicted to be tolerated by multiple in silico tools or not conserved in placental mammals with a minor amino acid change. (SB) 0604 - Variant is not located in an established domain, motif, hotspot or informative constraint region. (I) 0705 - No comparable missense variants have previous evidence for pathogenicity. (I) 0807 - This variant has no previous evidence of pathogenicity. (I) 0905 - No published segregation evidence has been identified for this variant. (I) 1007 - No published functional evidence has been identified for this variant. (I) Legend: (SP) - Supporting pathogenic, (I) - Information, (SB) - Supporting benign